The following is an entry in ClinVar:

NM_000368.5(TSC1):c.1057dup (p.Cys353fs)

Gene: TSC1 (TSC complex subunit 1; minus strand). Cytogenetic location: 9q34.13.
Variant type: Duplication.
Coding change: c.1057dup on transcript NM_000368.5 (MANE Select); coding-DNA position 1057, one base duplicated (T; older notation c.1057dupT).
Protein change: p.Cys353fs; shifts the reading frame from cysteine 353.
Molecular consequence: frameshift variant.
Genome position (GRCh38, 1-based): chr9:132,911,086, A duplicated on the plus strand (T on the coding strand, the reverse complement: TSC1 is on the minus strand); the first of 3 consecutive A bases (chr9:132,911,086-132,911,088); duplicating any one gives the same sequence. VCF-style (leftmost placement, unchanged base first): chr9-132911085-C-CA. GRCh37 (hg19) VCF-style: chr9-135786472-C-CA.
Other names: c.1057dup, p.Cys353fs (NM_001162426.2); c.904dup, p.Cys302fs (NM_001162427.2); c.694dup, p.Cys232fs (NM_001362177.2); short protein forms C353fs, C302fs, C232fs.
Identifiers: ClinVar variation 847152 (VCV000847152.7), dbSNP rs1845932297, ClinGen allele CA916081573.
Genomic context (GRCh38, chr9:132,911,085, plus strand): 5'-TAAGGGTGTGACAGATCAGGTGGGACATTTCCAGGAGAAGTTGGAGGAGTGGTCATACCA[C>CA]AAACCATAGATGGGCTCCAAAGAGTAGCCTGGGAAGTTAATAAAGTACATCAGCAGTGGC-3'

ClinVar aggregate classification (germline): Pathogenic (1 of 4 stars; one submission).

Conditions:
Tuberous sclerosis 1 (TSC1). Identifiers: Orphanet 805, MedGen C1854465, MONDO:0008612, OMIM 191100.

Submission:

Labcorp Genetics (formerly Invitae), Labcorp
Classification: Pathogenic for Tuberous sclerosis 1. Last evaluated: 2025-01-26. Review status: criteria provided, single submitter. Criteria: Invitae Variant Classification Sherloc (09022015). Collection method: clinical testing. Allele origin: germline.
Comment: This sequence change creates a premature translational stop signal (p.Cys353Leufs*16) in the TSC1 gene. It is expected to result in an absent or disrupted protein product. Loss-of-function variants in TSC1 are known to be pathogenic (PMID: 10227394, 17304050). This variant is not present in population databases (gnomAD no frequency). This variant has not been reported in the literature in individuals affected with TSC1-related conditions. ClinVar contains an entry for this variant (Variation ID: 847152). For these reasons, this variant has been classified as Pathogenic.

Literature cited by the submitters: PubMed 10227394; PubMed 17304050.